The following is an entry in ClinVar:

ClinVar aggregate classification (germline): Uncertain significance (1 of 4 stars; one submission).

Conditions:
CEP290-related disorder. Also called: CEP290-related disorders; CEP290-related condition. Identifiers: MedGen CN239314.

Submission:

PreventionGenetics, part of Exact Sciences
Classification: Uncertain significance for CEP290-related condition. Last evaluated: 2026-07-23. Review status: criteria provided, single submitter. Criteria: ACMG Guidelines, 2015. Collection method: clinical testing. Allele origin: germline.
Comment: The CEP290 c.209T>G variant is predicted to result in the amino acid substitution p.Leu70Trp. To our knowledge, this variant has not been reported in the literature or in a large population database (gnomAD), indicating this variant is rare. At this time, the clinical significance of this variant is uncertain due to the absence of conclusive functional and genetic evidence.

NM_025114.4(CEP290):c.209T>G (p.Leu70Trp)

Gene: CEP290 (centrosomal protein 290; minus strand). Cytogenetic location: 12q21.32.
Variant type: single nucleotide variant.
Coding change: c.209T>G on transcript NM_025114.4 (MANE Select); coding-DNA position 209, T replaced by G.
Protein change: p.Leu70Trp; replaces leucine 70 with tryptophan.
Molecular consequence: missense variant.
Genome position (GRCh38, 1-based): chr12:88,139,536, A>C on the plus strand (T>G on the coding strand, the complement: CEP290 is on the minus strand). VCF-style: chr12-88139536-A-C. GRCh37 (hg19) VCF-style: chr12-88533313-A-C.
Other names: short protein forms L70W.
Identifiers: ClinVar variation 4992660 (VCV004992660.1).